The following is an entry in ClinVar:

NM_015046.7(SETX):c.*319C>T

Gene: SETX (senataxin; minus strand). Cytogenetic location: 9q34.13.
Variant type: single nucleotide variant.
Coding change: c.*319C>T on transcript NM_015046.7 (MANE Select); 319 bases downstream of the stop codon, C replaced by T.
Molecular consequence: 3 prime UTR variant.
Genome position (GRCh38, 1-based): chr9:132,263,920, G>A on the plus strand (C>T on the coding strand, the complement: SETX is on the minus strand). VCF-style: chr9-132263920-G-A. GRCh37 (hg19) VCF-style: chr9-135139307-G-A.
Other names: c.*319C>T (NM_001351527.2, NM_001351528.2).
Identifiers: ClinVar variation 365334 (VCV000365334.9), dbSNP rs1056912, ClinGen allele CA10632893.
Genomic context (GRCh38, chr9:132,263,920, plus strand): 5'-TTAAACAGGGGGAAAGAAAAGCGGTCTACTAGATTAAATTTTAAAAGGATTTTGTTATTT[G>A]CTATACAAATATACATTTCAACTTTTACAACATTCACTCCAGTCTGACCTCCTTGTCTAT-3'

ClinVar aggregate classification (germline): Benign/Likely benign. Review status: criteria provided, multiple submitters, no conflicts (2 of 4 stars). 6 submissions from 4 submitters: Benign (3); Likely benign (3). Last evaluated 2023-02-08.

Conditions:
Amyotrophic lateral sclerosis type 4 (ALS4). Also called: AMYOTROPHIC LATERAL SCLEROSIS 4, JUVENILE; NEURONOPATHY, DISTAL HEREDITARY MOTOR, WITH PYRAMIDAL FEATURES. Identifiers: Orphanet 357043, MedGen C1865409, MONDO:0011223, OMIM 602433.
Spinocerebellar ataxia, autosomal recessive, with axonal neuropathy 2 (SCAN2). Also called: ATAXIA-OCULOMOTOR APRAXIA 2; Ataxia-ocular apraxia-2; Ataxia with Oculomotor Apraxia; Ataxia with Oculomotor Apraxia Type 2. Identifiers: Orphanet 64753, MedGen C1853761, MONDO:0018996, OMIM 606002.

Allele frequency attached by ClinVar (database versions not stated): 1000 Genomes Project 0.00379; TOPMed 0.00404; 1000 Genomes Project 30x 0.00422; gnomAD 0.00570 and 0.00576; gnomAD exomes 0.00661.
gnomAD v4.1: 1,910 of 312,150 alleles (0.61%); highest among the groups gnomAD compares: South Asian, 0.83%; 9 homozygotes.

Submissions (6):

Genome-Nilou Lab
Classification: Benign for Spinocerebellar ataxia, autosomal recessive, with axonal neuropathy 2. Last evaluated: 2023-02-08. Review status: criteria provided, single submitter. Criteria: ACMG Guidelines, 2015. Collection method: clinical testing. Allele origin: germline.

Genome-Nilou Lab
Classification: Benign for Amyotrophic lateral sclerosis type 4. Last evaluated: 2023-02-08. Review status: criteria provided, single submitter. Criteria: ACMG Guidelines, 2015. Collection method: clinical testing. Allele origin: germline.

GeneDx
Classification: Likely benign. Last evaluated: 2018-09-11. Review status: criteria provided, single submitter. Criteria: GeneDx Variant Classification Process June 2021. Collection method: clinical testing. Allele origin: germline. Affected: yes.

Illumina Laboratory Services, Illumina
Classification: Benign for Amyotrophic lateral sclerosis type 4. Last evaluated: 2018-01-13. Review status: criteria provided, single submitter. Criteria: ICSL Variant Classification Criteria 13 December 2019. Collection method: clinical testing. Allele origin: germline.
Comment: This variant was observed in the ICSL laboratory as part of a predisposition screen in an ostensibly healthy population. It had not been previously curated by ICSL or reported in the Human Gene Mutation Database (HGMD: prior to June 1st, 2018), and was therefore a candidate for classification through an automated scoring system. Utilizing variant allele frequency, disease prevalence and penetrance estimates, and inheritance mode, an automated score was calculated to assess if this variant is too frequent to cause the disease. Based on the score and internal cut-off values, a variant classified as benign is not then subjected to further curation. The score for this variant resulted in a classification of benign for this disease.

Illumina Laboratory Services, Illumina
Classification: Likely benign for Spinocerebellar ataxia, autosomal recessive, with axonal neuropathy 2. Last evaluated: 2018-01-13. Review status: criteria provided, single submitter. Criteria: ICSL Variant Classification Criteria 13 December 2019. Collection method: clinical testing. Allele origin: germline.
Comment: This variant was observed in the ICSL laboratory as part of a predisposition screen in an ostensibly healthy population. It had not been previously curated by ICSL or reported in the Human Gene Mutation Database (HGMD: prior to June 1st, 2018), and was therefore a candidate for classification through an automated scoring system. Utilizing variant allele frequency, disease prevalence and penetrance estimates, and inheritance mode, an automated score was calculated to assess if this variant is too frequent to cause the disease. Based on the score and internal cut-off values, a variant classified as likely benign is not then subjected to further curation. The score for this variant resulted in a classification of likely benign for this disease.

Breakthrough Genomics
Classification: Likely benign. Review status: criteria provided, single submitter. Criteria: ACMG Guidelines, 2015. Collection method: not provided. Allele origin: germline. Inheritance: Autosomal recessive inheritance. Affected: yes.